The following is an entry in ClinVar:

NM_001042492.3(NF1):c.732dup (p.Cys245fs)

Gene: NF1 (neurofibromin 1; plus strand). Cytogenetic location: 17q11.2.
Variant type: Duplication.
Coding change: c.732dup on transcript NM_001042492.3 (MANE Select); coding-DNA position 732, one base duplicated (A; older notation c.732dupA).
Protein change: p.Cys245fs; shifts the reading frame from cysteine 245.
Molecular consequence: frameshift variant.
Genome position (GRCh38, 1-based): chr17:31,182,509, A duplicated; the last of 2 consecutive A bases (chr17:31,182,508-31,182,509); duplicating either gives the same sequence. VCF-style (leftmost placement, unchanged base first): chr17-31182507-G-GA. GRCh37 (hg19) VCF-style: chr17-29509525-G-GA.
Other names: c.732dupA (NM_000267.3); c.732dup, p.Cys245Metfs (NM_000267.4); c.732dup, p.Cys245fs (NM_001128147.3); short protein forms C245fs.
Identifiers: ClinVar variation 1758359 (VCV001758359.7), dbSNP rs2544753100, ClinGen allele CA2580092860.

ClinVar aggregate classification (germline): Pathogenic. Review status: criteria provided, multiple submitters, no conflicts (2 of 4 stars). 2 submissions from 2 submitters: Pathogenic (2). Last evaluated 2023-10-19.

Conditions:
Cardiovascular phenotype. Identifiers: MedGen CN230736.
Hereditary cancer-predisposing syndrome. Also called: Neoplastic Syndromes, Hereditary; Tumor predisposition; Hereditary neoplastic syndrome; Hereditary Cancer Syndrome. Identifiers: Orphanet 140162, MedGen C0027672, MeSH D009386, MONDO:0015356.
Neurofibromatosis, type 1 (NF1). Also called: Peripheral type neurofibromatosis; VON RECKLINGHAUSEN DISEASE; NEUROFIBROMATOSIS, TYPE I, SOMATIC; Neurofibromatosis, type I. Identifiers: Orphanet 636, MedGen C0027831, MONDO:0018975, OMIM 162200. Disease mechanism: loss of function.

Submissions (2):

Labcorp Genetics (formerly Invitae), Labcorp
Classification: Pathogenic for Neurofibromatosis, type 1. Last evaluated: 2023-10-19. Review status: criteria provided, single submitter. Criteria: Invitae Variant Classification Sherloc (09022015). Collection method: clinical testing. Allele origin: germline.
Comment: This sequence change creates a premature translational stop signal (p.Cys245Metfs*7) in the NF1 gene. It is expected to result in an absent or disrupted protein product. Loss-of-function variants in NF1 are known to be pathogenic (PMID: 10712197, 23913538). This variant is not present in population databases (gnomAD no frequency). This variant has not been reported in the literature in individuals affected with NF1-related conditions. ClinVar contains an entry for this variant (Variation ID: 1758359). Algorithms developed to predict the effect of sequence changes on RNA splicing suggest that this variant may disrupt the consensus splice site. For these reasons, this variant has been classified as Pathogenic.

Ambry Genetics
Classification: Pathogenic for Cardiovascular phenotype; Hereditary cancer-predisposing syndrome. Last evaluated: 2020-03-11. Review status: criteria provided, single submitter. Criteria: Ambry Variant Classification Scheme 2023. Collection method: clinical testing. Allele origin: germline.
Comment: The c.732dupA pathogenic mutation, located in coding exon 8 of the NF1 gene, results from a duplication of A at nucleotide position 732, causing a translational frameshift with a predicted alternate stop codon (p.C245Mfs*7). This alteration is expected to result in loss of function by premature protein truncation or nonsense-mediated mRNA decay. As such, this alteration is interpreted as a disease-causing mutation.

Literature cited by the submitters: PubMed 10712197 (cited by Labcorp Genetics (formerly Invitae), Labcorp); PubMed 23913538 (cited by Labcorp Genetics (formerly Invitae), Labcorp).